The following is an entry in ClinVar:

ClinVar aggregate classification (germline): Uncertain significance (1 of 4 stars; one submission).

Allele frequency attached by ClinVar (database versions not stated): gnomAD exomes 0.00011 and 0.00014; ExAC 0.00016; 1000 Genomes Project 30x 0.00031; gnomAD 0.00038 and 0.00041; 1000 Genomes Project 0.00040; TOPMed 0.00041; ESP Exome Variant Server 0.00062.
gnomAD v4.1: 216 of 1,614,086 alleles (0.013%); highest among the groups gnomAD compares: African/African-American, 0.12%; no homozygotes.

Submission:

Labcorp Genetics (formerly Invitae), Labcorp
Classification: Uncertain significance. Last evaluated: 2022-08-19. Review status: criteria provided, single submitter. Criteria: Invitae Variant Classification Sherloc (09022015). Collection method: clinical testing. Allele origin: germline.
Comment: This sequence change replaces alanine, which is neutral and non-polar, with valine, which is neutral and non-polar, at codon 145 of the TNFSF11 protein (p.Ala145Val). This variant is present in population databases (rs144503010, gnomAD 0.1%). This variant has not been reported in the literature in individuals affected with TNFSF11-related conditions. ClinVar contains an entry for this variant (Variation ID: 1053667). Algorithms developed to predict the effect of missense changes on protein structure and function are either unavailable or do not agree on the potential impact of this missense change (SIFT: "Deleterious"; PolyPhen-2: "Benign"; Align-GVGD: "Class C0"). In summary, the available evidence is currently insufficient to determine the role of this variant in disease. Therefore, it has been classified as a Variant of Uncertain Significance.

NM_003701.4(TNFSF11):c.434C>T (p.Ala145Val)

Genes: TNFSF11 (TNF superfamily member 11; plus strand), LOC126861753 (P300/CBP strongly-dependent group 1 enhancer GRCh37_chr13:43174688-43175887; plus strand). Cytogenetic location: 13q14.11.
Variant type: single nucleotide variant.
Coding change: c.434C>T on transcript NM_003701.4 (MANE Select); coding-DNA position 434, C replaced by T.
Protein change: p.Ala145Val; replaces alanine 145 with valine.
Molecular consequence: missense variant.
Genome position (GRCh38, 1-based): chr13:42,600,883, C>T. VCF-style: chr13-42600883-C-T. GRCh37 (hg19) VCF-style: chr13-43175019-C-T.
Other names: c.215C>T, p.Ala72Val (NM_033012.4); short protein forms A145V, A72V.
Identifiers: ClinVar variation 1053667 (VCV001053667.4), dbSNP rs144503010, ClinGen allele CA6967229.
Genomic context (GRCh38, chr13:42,600,883, plus strand): 5'-TGAAATCCCACAGGGTCACTACTATTTTGGCTATAATAATATGGTTTCTCTCATCTCCAG[C>T]GATGGTGGATGGCTCATGGTTAGATCTGGCCAAGAGGAGCAAGCTTGAAGCTCAGCCTTT-3'
Protein context (NP_003692.1, residues 135-155): VGSQHIRAEK[Ala145Val]MVDGSWLDLA